The following is an entry in ClinVar:

NM_003849.4(SUCLG1):c.319-8T>C

Gene: SUCLG1 (succinate-CoA ligase GDP/ADP-forming subunit alpha; minus strand). Cytogenetic location: 2p11.2.
Variant type: single nucleotide variant.
Coding change: c.319-8T>C on transcript NM_003849.4 (MANE Select); 8 bases into the intron before coding-DNA position 319, T replaced by C.
Molecular consequence: intron variant.
Genome position (GRCh38, 1-based): chr2:84,441,467, A>G on the plus strand (T>C on the coding strand, the complement: SUCLG1 is on the minus strand). VCF-style: chr2-84441467-A-G. GRCh37 (hg19) VCF-style: chr2-84668591-A-G.
Identifiers: ClinVar variation 895876 (VCV000895876.13), dbSNP rs370790297, ClinGen allele CA1736336.

ClinVar aggregate classification (germline): Conflicting classifications of pathogenicity. Review status: criteria provided, conflicting classifications (1 of 4 stars). 3 submissions from 3 submitters: Uncertain significance (1); Likely benign (1). 1 of the submissions does not count toward it. Last evaluated 2025-08-29.

Conditions:
Mitochondrial DNA depletion syndrome 9 (MTDPS9). Also called: SUCLG1-Related Mitochondrial DNA Depletion Syndrome, Encephalomyopathic Form with Methylmalonic Aciduria. Identifiers: Orphanet 17, MedGen C3151476, MONDO:0009504, OMIM 245400.
SUCLG1-related disorder. Also called: SUCLG1-related condition.

Allele frequency attached by ClinVar (database versions not stated): ExAC 0.00006; gnomAD 0.00007; TOPMed 0.00007; gnomAD exomes 0.00010; ESP Exome Variant Server 0.00015.
gnomAD v4.1: 155 of 1,613,582 alleles (0.0096%); highest among the groups gnomAD compares: Admixed American, 0.027%; no homozygotes.

Submissions (3):

Labcorp Genetics (formerly Invitae), Labcorp
Classification: Likely benign for Mitochondrial DNA depletion syndrome 9. Last evaluated: 2025-08-29. Review status: criteria provided, single submitter. Criteria: Invitae Variant Classification Sherloc (09022015). Collection method: clinical testing. Allele origin: germline.

Illumina Laboratory Services, Illumina
Classification: Uncertain significance for Mitochondrial DNA depletion syndrome 9. Last evaluated: 2018-01-12. Review status: criteria provided, single submitter. Criteria: ICSL Variant Classification Criteria 13 December 2019. Collection method: clinical testing. Allele origin: germline.

PreventionGenetics, part of Exact Sciences
Classification: Likely benign for SUCLG1-related condition. Last evaluated: 2019-05-02. Review status: no assertion criteria provided. Collection method: clinical testing. Allele origin: germline. Not counted in ClinVar's aggregate classification.
Comment: This variant is classified as likely benign based on ACMG/AMP sequence variant interpretation guidelines (Richards et al. 2015 PMID: 25741868, with internal and published modifications).